The following is an entry in ClinVar:

NM_001040142.2(SCN2A):c.5422G>C (p.Asp1808His)

Gene: SCN2A (sodium voltage-gated channel alpha subunit 2; plus strand). Cytogenetic location: 2q24.3.
Variant type: single nucleotide variant.
Coding change: c.5422G>C on transcript NM_001040142.2 (MANE Select); coding-DNA position 5422, G replaced by C.
Protein change: p.Asp1808His; replaces aspartic acid 1808 with histidine.
Molecular consequence: missense variant.
Genome position (GRCh38, 1-based): chr2:165,389,228, G>C. VCF-style: chr2-165389228-G-C. GRCh37 (hg19) VCF-style: chr2-166245738-G-C.
Other names: c.5422G>C, p.Asp1808His (NM_001040143.2, NM_001371246.1, NM_001371247.1 and 1 more transcripts); short protein forms D1808H.
Identifiers: ClinVar variation 2340103 (VCV002340103.4), dbSNP rs767541516, ClinGen allele CA349038950.
Genomic context (GRCh38, chr2:165,389,228, plus strand): 5'-GAGCCTCTGAGTGAGGATGACTTTGAGATGTTCTATGAGGTTTGGGAGAAGTTTGATCCC[G>C]ATGCGACCCAGTTTATAGAGTTTGCCAAACTTTCTGATTTTGCAGATGCCCTGGATCCTC-3'
Protein context (NP_001035232.1, residues 1798-1818): FYEVWEKFDP[Asp1808His]ATQFIEFAKL

ClinVar aggregate classification (germline): Uncertain significance. Review status: criteria provided, multiple submitters, no conflicts (2 of 4 stars). 2 submissions from 2 submitters: Uncertain significance (2). Last evaluated 2024-11-06.

Conditions:
Inborn genetic diseases. Identifiers: MedGen C0950123, MeSH D030342.

Submissions (2):

GeneDx
Classification: Uncertain significance. Last evaluated: 2024-11-06. Review status: criteria provided, single submitter. Criteria: GeneDx Variant Classification Process June 2021. Collection method: clinical testing. Allele origin: germline. Affected: yes.
Comment: Not observed at significant frequency in large population cohorts (gnomAD); In silico analysis supports that this missense variant has a deleterious effect on protein structure/function; Has not been previously published as pathogenic or benign to our knowledge; This substitution is predicted to be within the C-terminal cytoplasmic domain

Ambry Genetics
Classification: Uncertain significance for Inborn genetic diseases. Last evaluated: 2022-12-28. Review status: criteria provided, single submitter. Criteria: Ambry Variant Classification Scheme 2023. Collection method: clinical testing. Allele origin: germline.